The following is an entry in ClinVar:

NM_004278.4(PIGL):c.391del (p.Leu131fs)

Gene: PIGL (phosphatidylinositol glycan anchor biosynthesis class L; plus strand). Cytogenetic location: 17p11.2.
Variant type: Deletion.
Coding change: c.391del on transcript NM_004278.4 (MANE Select); coding-DNA position 391, one base deleted (C; older notation c.391delC).
Protein change: p.Leu131fs; shifts the reading frame from leucine 131.
Molecular consequence: frameshift variant.
Genome position (GRCh38, 1-based): chr17:16,299,943, C deleted; the last of 2 consecutive C bases (chr17:16,299,942-16,299,943); deleting either gives the same sequence. VCF-style (leftmost placement, unchanged base first): chr17-16299941-TC-T. GRCh37 (hg19) VCF-style: chr17-16203255-TC-T.
Other names: c.391del, p.Leu131fs (NM_001411072.1); short protein forms L131fs.
Identifiers: ClinVar variation 3687066 (VCV003687066.2).

ClinVar aggregate classification (germline): Pathogenic (1 of 4 stars; one submission).

Submission:

Labcorp Genetics (formerly Invitae), Labcorp
Classification: Pathogenic. Last evaluated: 2024-12-16. Review status: criteria provided, single submitter. Criteria: Invitae Variant Classification Sherloc (09022015). Collection method: clinical testing. Allele origin: germline.
Comment: This sequence change creates a premature translational stop signal (p.Leu131Serfs*5) in the PIGL gene. It is expected to result in an absent or disrupted protein product. Loss-of-function variants in PIGL are known to be pathogenic (PMID: 22444671). This variant is present in population databases (no rsID available, gnomAD 0.007%). This variant has not been reported in the literature in individuals affected with PIGL-related conditions. For these reasons, this variant has been classified as Pathogenic.

Literature cited by the submitters: PubMed 22444671.